The following is an entry in ClinVar:

NM_000492.4(CFTR):c.3874-3854C>G

Gene: CFTR (CF transmembrane conductance regulator; plus strand). Cytogenetic location: 7q31.2.
Variant type: single nucleotide variant.
Coding change: c.3874-3854C>G on transcript NM_000492.4 (MANE Select); 3854 bases into the intron before coding-DNA position 3874, C replaced by G.
Molecular consequence: intron variant.
Genome position (GRCh38, 1-based): chr7:117,648,988, C>G. VCF-style: chr7-117648988-C-G. GRCh37 (hg19) VCF-style: chr7-117289042-C-G.
Identifiers: ClinVar variation 2443048 (VCV002443048.1), dbSNP rs868210040, ClinGen allele CA164950566.

ClinVar aggregate classification (germline): Uncertain significance (1 of 4 stars; one submission).

Conditions:
Cystic fibrosis (CF). Also called: MUCOVISCIDOSIS. Identifiers: Orphanet 586, MedGen C0010674, MONDO:0009061, OMIM 219700. Disease mechanism: loss of function.

Allele frequency attached by ClinVar (database versions not stated): TOPMed 0.00013; gnomAD 0.00009.
gnomAD v4.1: 14 of 152,072 alleles (0.0092%); highest among the groups gnomAD compares: Middle Eastern, 0.68%; no homozygotes.

Submission:

Johns Hopkins Genomics, Johns Hopkins University
Classification: Uncertain significance for Cystic fibrosis. Last evaluated: 2022-12-27. Review status: criteria provided, single submitter. Criteria: ACMG Guidelines, 2015. Collection method: clinical testing. Allele origin: germline.
Comment: This CFTR variant (rs868210040) has been identified in a large population dataset and the minor allele frequency is neither low enough to consider the variant rare (<0.1%) nor high enough to consider it a population polymorphism (>1%) within the Middle Eastern subpopulation (gnomAD: 2/316 alleles; 0.6329%, no homozygotes). It has not been reported in ClinVar nor the literature, to our knowledge. Three bioinformatics tools indicate that this variant may create a weak cryptic donor splice site, although this has not been confired experimentally to our knowledge. We consider the clinical significance of CFTR c.3874-3854C>G to be uncertain at this time.